The following is an entry in ClinVar:

NM_001166108.2(PALLD):c.3107C>T (p.Thr1036Ile)

Genes: CBR4 (carbonyl reductase 4; minus strand), PALLD (palladin, cytoskeletal associated protein; plus strand). Cytogenetic location: 4q32.3.
Variant type: single nucleotide variant.
Coding change: c.3107C>T on transcript NM_001166108.2 (MANE Select); coding-DNA position 3107, C replaced by T.
Protein change: p.Thr1036Ile; replaces threonine 1036 with isoleucine.
Molecular consequence: missense variant.
Genome position (GRCh38, 1-based): chr4:168,924,303, C>T. VCF-style: chr4-168924303-C-T. GRCh37 (hg19) VCF-style: chr4-169845454-C-T.
Other names: c.1910C>T, p.Thr637Ile (NM_001166109.2); c.1595C>T, p.Thr532Ile (NM_001166110.2); c.935C>T, p.Thr312Ile (NM_001367567.1, NM_001367569.1); c.986C>T, p.Thr329Ile (NM_001367568.1, NM_001367570.1); c.3056C>T, p.Thr1019Ile (NM_016081.4); c.1595C>T (NM_001166110.1); short protein forms T1019I, T637I, T1036I, T532I, T329I, T312I.
Identifiers: ClinVar variation 1392030 (VCV001392030.7), dbSNP rs1324020366, ClinGen allele CA358712015.

ClinVar aggregate classification (germline): Uncertain significance. Review status: criteria provided, multiple submitters, no conflicts (2 of 4 stars). 2 submissions from 2 submitters: Uncertain significance (2). Last evaluated 2025-09-10.

Conditions:
Pancreatic adenocarcinoma. Identifiers: MedGen C0281361, MONDO:0006047, HP:0006725.

Allele frequency attached by ClinVar (database versions not stated): gnomAD exomes below 0.00001.
gnomAD v4.1: 4 of 1,613,960 alleles (0.00025%); highest among the groups gnomAD compares: African/African-American, 0.0013%; no homozygotes.

Submissions (2):

Ambry Genetics
Classification: Uncertain significance. Last evaluated: 2025-09-10. Review status: criteria provided, single submitter. Criteria: Ambry Variant Classification Scheme 2023. Collection method: clinical testing. Allele origin: germline.
Comment: The p.T532I variant (also known as c.1595C>T), located in coding exon 9 of the PALLD gene, results from a C to T substitution at nucleotide position 1595. The threonine at codon 532 is replaced by isoleucine, an amino acid with similar properties. This amino acid position is conserved. In addition, the in silico prediction for this alteration is inconclusive. Based on the available evidence, the clinical significance of this variant remains unclear.

Labcorp Genetics (formerly Invitae), Labcorp
Classification: Uncertain significance for Pancreatic adenocarcinoma. Last evaluated: 2024-07-26. Review status: criteria provided, single submitter. Criteria: Invitae Variant Classification Sherloc (09022015). Collection method: clinical testing. Allele origin: germline.
Comment: This sequence change replaces threonine, which is neutral and polar, with isoleucine, which is neutral and non-polar, at codon 532 of the PALLD protein (p.Thr532Ile). This variant is present in population databases (no rsID available, gnomAD 0.0009%). This variant has not been reported in the literature in individuals affected with PALLD-related conditions. ClinVar contains an entry for this variant (Variation ID: 1392030). An algorithm developed to predict the effect of missense changes on protein structure and function (PolyPhen-2) suggests that this variant is likely to be disruptive. In summary, the available evidence is currently insufficient to determine the role of this variant in disease. Therefore, it has been classified as a Variant of Uncertain Significance.